The following is an entry in ClinVar:

ClinVar aggregate classification (germline): Uncertain significance (1 of 4 stars; one submission).

Allele frequency attached by ClinVar (database versions not stated): gnomAD 0.00001; gnomAD exomes 0.00001; ExAC 0.00002; TOPMed 0.00003.
gnomAD v4.1: 22 of 1,612,766 alleles (0.0014%); highest among the groups gnomAD compares: Non-Finnish European, 0.0017%; no homozygotes.

Submission:

Labcorp Genetics (formerly Invitae), Labcorp
Classification: Uncertain significance. Last evaluated: 2024-10-29. Review status: criteria provided, single submitter. Criteria: Invitae Variant Classification Sherloc (09022015). Collection method: clinical testing. Allele origin: germline.
Comment: This sequence change replaces arginine, which is basic and polar, with glutamine, which is neutral and polar, at codon 1062 of the CACNA1B protein (p.Arg1062Gln). The frequency data for this variant in the population databases is considered unreliable, as metrics indicate poor data quality at this position in the gnomAD database. This variant has not been reported in the literature in individuals affected with CACNA1B-related conditions. ClinVar contains an entry for this variant (Variation ID: 1931573). Invitae Evidence Modeling of protein sequence and biophysical properties (such as structural, functional, and spatial information, amino acid conservation, physicochemical variation, residue mobility, and thermodynamic stability) indicates that this missense variant is not expected to disrupt CACNA1B protein function with a negative predictive value of 80%. In summary, the available evidence is currently insufficient to determine the role of this variant in disease. Therefore, it has been classified as a Variant of Uncertain Significance.

NM_000718.4(CACNA1B):c.3185G>A (p.Arg1062Gln)

Gene: CACNA1B (calcium voltage-gated channel subunit alpha1 B; plus strand). Cytogenetic location: 9q34.3.
Variant type: single nucleotide variant.
Coding change: c.3185G>A on transcript NM_000718.4 (MANE Select); coding-DNA position 3185, G replaced by A.
Protein change: p.Arg1062Gln; replaces arginine 1062 with glutamine.
Molecular consequence: missense variant.
Genome position (GRCh38, 1-based): chr9:138,025,071, G>A. VCF-style: chr9-138025071-G-A. GRCh37 (hg19) VCF-style: chr9-140919523-G-A.
Other names: c.3185G>A, p.Arg1062Gln (NM_001243812.2); short protein forms R1062Q.
Identifiers: ClinVar variation 1931573 (VCV001931573.5), dbSNP rs201994477, ClinGen allele CA5376547.